The following is an entry in ClinVar:

ClinVar aggregate classification (germline): Likely benign (1 of 4 stars; one submission).

Conditions:
EPPK1-related disorder. Also called: EPPK1-related condition.

Submission:

PreventionGenetics, part of Exact Sciences
Classification: Likely benign for EPPK1-related condition. Last evaluated: 2026-01-23. Review status: criteria provided, single submitter. Criteria: ACMG Guidelines, 2015. Collection method: clinical testing. Allele origin: germline.
Comment: This variant is classified as likely benign based on ACMG/AMP sequence variant interpretation guidelines (Richards et al. 2015 PMID: 25741868, with internal and published modifications).

NM_031308.4(EPPK1):c.4479G>A (p.Gly1493=)

Gene: EPPK1 (epiplakin 1; minus strand). Cytogenetic location: 8q24.3.
Variant type: single nucleotide variant.
Coding change: c.4479G>A on transcript NM_031308.4 (MANE Select); coding-DNA position 4479, G replaced by A.
Protein change: p.Gly1493=; no amino-acid change (glycine 1493 retained).
Molecular consequence: synonymous variant.
Genome position (GRCh38, 1-based): chr8:143,868,775, C>T on the plus strand (G>A on the coding strand, the complement: EPPK1 is on the minus strand). VCF-style: chr8-143868775-C-T. GRCh37 (hg19) VCF-style: chr8-144942943-C-T.
Identifiers: ClinVar variation 4992118 (VCV004992118.1).